The following is an entry in ClinVar:

NM_001042492.3(NF1):c.1817G>C (p.Cys606Ser)

Gene: NF1 (neurofibromin 1; plus strand). Cytogenetic location: 17q11.2.
Variant type: single nucleotide variant.
Coding change: c.1817G>C on transcript NM_001042492.3 (MANE Select); coding-DNA position 1817, G replaced by C.
Protein change: p.Cys606Ser; replaces cysteine 606 with serine.
Molecular consequence: missense variant.
Genome position (GRCh38, 1-based): chr17:31,223,539, G>C. VCF-style: chr17-31223539-G-C. GRCh37 (hg19) VCF-style: chr17-29550557-G-C.
Other names: c.1817G>C, p.Cys606Ser (NM_000267.4); short protein forms C606S.
Identifiers: ClinVar variation 4119047 (VCV004119047.1).

ClinVar aggregate classification (germline): Uncertain significance (1 of 4 stars; one submission).

Conditions:
Cardiovascular phenotype. Identifiers: MedGen CN230736.
Hereditary cancer-predisposing syndrome. Also called: Hereditary neoplastic syndrome; Neoplastic Syndromes, Hereditary; Tumor predisposition; Hereditary Cancer Syndrome. Identifiers: Orphanet 140162, MedGen C0027672, MeSH D009386, MONDO:0015356.

Submission:

Ambry Genetics
Classification: Uncertain significance for Cardiovascular phenotype; Hereditary cancer-predisposing syndrome. Last evaluated: 2025-06-17. Review status: criteria provided, single submitter. Criteria: Ambry Variant Classification Scheme 2023. Collection method: clinical testing. Allele origin: germline.
Comment: The p.C606S variant (also known as c.1817G>C), located in coding exon 16 of the NF1 gene, results from a G to C substitution at nucleotide position 1817. The cysteine at codon 606 is replaced by serine, an amino acid with dissimilar properties. This amino acid position is highly conserved in available vertebrate species. In addition, this alteration is predicted to be deleterious by in silico analysis. Based on the available evidence, the clinical significance of this variant remains unclear.